The following is an entry in ClinVar:

ClinVar aggregate classification (germline): Conflicting classifications of pathogenicity. Review status: criteria provided, conflicting classifications (1 of 4 stars). 5 submissions from 5 submitters: Uncertain significance (1); Benign (1); Likely benign (3). Last evaluated 2022-06-13.

Conditions:
Cornelia de Lange syndrome 1 (CDLS1). Also called: TYPUS DEGENERATIVUS AMSTELODAMENSIS; NIPBL-Related Cornelia de Lange Syndrome; Brachmann de Lange syndrome. Identifiers: Orphanet 199, MedGen C4551851, MONDO:0007387, OMIM 122470.

Allele frequency attached by ClinVar (database versions not stated): gnomAD 0.00001 and 0.00002; gnomAD exomes 0.00001 and 0.00006; TOPMed 0.00003; ExAC 0.00004; 1000 Genomes Project 30x 0.00016; 1000 Genomes Project 0.00020.
gnomAD v4.1: 22 of 1,613,626 alleles (0.0014%); highest among the groups gnomAD compares: East Asian, 0.047%; no homozygotes.

Submissions (5):

Labcorp Genetics (formerly Invitae), Labcorp
Classification: Benign for Cornelia de Lange syndrome 1. Last evaluated: 2022-06-13. Review status: criteria provided, single submitter. Criteria: Invitae Variant Classification Sherloc (09022015). Collection method: clinical testing. Allele origin: germline.

Genome-Nilou Lab
Classification: Likely benign for Cornelia de Lange syndrome 1. Last evaluated: 2021-07-15. Review status: criteria provided, single submitter. Criteria: ACMG Guidelines, 2015. Collection method: clinical testing. Allele origin: germline. Affected: no.

Illumina Laboratory Services, Illumina
Classification: Likely benign for Cornelia de Lange syndrome 1. Last evaluated: 2018-01-13. Review status: criteria provided, single submitter. Criteria: ICSL Variant Classification Criteria 13 December 2019. Collection method: clinical testing. Allele origin: germline.
Comment: This variant was observed in the ICSL laboratory as part of a predisposition screen in an ostensibly healthy population. It had not been previously curated by ICSL or reported in the Human Gene Mutation Database (HGMD: prior to June 1st, 2018), and was therefore a candidate for classification through an automated scoring system. Utilizing variant allele frequency, disease prevalence and penetrance estimates, and inheritance mode, an automated score was calculated to assess if this variant is too frequent to cause the disease. Based on the score and internal cut-off values, a variant classified as likely benign is not then subjected to further curation. The score for this variant resulted in a classification of likely benign for this disease.

GeneDx
Classification: Likely benign. Last evaluated: 2017-05-05. Review status: criteria provided, single submitter. Criteria: GeneDx Variant Classification (06012015). Collection method: clinical testing. Allele origin: germline. Affected: yes.
Comment: This variant is considered likely benign or benign based on one or more of the following criteria: it is a conservative change, it occurs at a poorly conserved position in the protein, it is predicted to be benign by multiple in silico algorithms, and/or has population frequency not consistent with disease.

Eurofins Ntd Llc (ga)
Classification: Uncertain significance. Last evaluated: 2015-02-17. Review status: criteria provided, single submitter. Criteria: EGL Classification Definitions 2015. Collection method: clinical testing. Allele origin: germline. Observed: 1 variant allele, 1 heterozygote.

NM_133433.4(NIPBL):c.1392T>A (p.Pro464=)

Gene: NIPBL (NIPBL cohesin loading factor; plus strand). Cytogenetic location: 5p13.2.
Variant type: single nucleotide variant.
Coding change: c.1392T>A on transcript NM_133433.4 (MANE Select); coding-DNA position 1392, T replaced by A.
Protein change: p.Pro464=; no amino-acid change (proline 464 retained).
Molecular consequence: synonymous variant.
Genome position (GRCh38, 1-based): chr5:36,976,299, T>A. VCF-style: chr5-36976299-T-A. GRCh37 (hg19) VCF-style: chr5-36976401-T-A.
Other names: c.1392T>A, p.Pro464= (NM_015384.5).
Identifiers: ClinVar variation 199182 (VCV000199182.18), dbSNP rs555179389, ClinGen allele CA248257.